The following is an entry in ClinVar:

NM_000350.3(ABCA4):c.1561del (p.Val521fs)

Gene: ABCA4 (ATP binding cassette subfamily A member 4; minus strand). Cytogenetic location: 1p22.1.
Variant type: Deletion.
Coding change: c.1561del on transcript NM_000350.3 (MANE Select); coding-DNA position 1561, one base deleted (G; older notation c.1561delG).
Protein change: p.Val521fs; shifts the reading frame from valine 521.
Molecular consequence: frameshift variant.
Genome position (GRCh38, 1-based): chr1:94,063,311, C deleted on the plus strand (G on the coding strand, the reverse complement: ABCA4 is on the minus strand); the first of 2 consecutive C bases (chr1:94,063,311-94,063,312); deleting either gives the same sequence. VCF-style (leftmost placement, unchanged base first): chr1-94063310-AC-A. GRCh37 (hg19) VCF-style: chr1-94528866-AC-A.
Other names: c.1561delG (NM_000350.2); c.1560delG, p.Val521Serfs (NM_001425324.1); short protein forms V521fs.
Identifiers: ClinVar variation 1073469 (VCV001073469.9), dbSNP rs1279522242, ClinGen allele CA645372168.

ClinVar aggregate classification (germline): Pathogenic/Likely pathogenic. Review status: criteria provided, multiple submitters, no conflicts (2 of 4 stars). 4 submissions from 4 submitters: Pathogenic (3); Likely pathogenic (1). Last evaluated 2025-09-08.

Conditions:
Severe early-childhood-onset retinal dystrophy (STGD1). Also called: Stargardt macular dystrophy; Juvenile onset macular degeneration; Stargardt disease 1; MACULAR DYSTROPHY WITH FLECKS, TYPE 1; STGD. Identifiers: Orphanet 364055, Orphanet 827, MedGen C1855465, MeSH D000080362, MONDO:0009549, OMIM 248200.
ABCA4-related disorder. Also called: ABCA4-related condition; ABCA4-related disorders. Identifiers: MedGen CN239167.

Submissions (4):

PreventionGenetics, part of Exact Sciences
Classification: Pathogenic for ABCA4-related condition. Last evaluated: 2025-09-08. Review status: criteria provided, single submitter. Criteria: ACMG Guidelines, 2015. Collection method: clinical testing. Allele origin: germline.
Comment: The ABCA4 c.1561delG variant is predicted to result in a frameshift and premature protein termination (p.Val521Serfs*47). This variant has been reported in individuals with Stargardt disease or ABCA4-related retinal disease (see for example: Table S1, Wang et al. 2018. PubMed ID: 30029497; Supplemental Table S8, Khan et al. 2020. PubMed ID: 32307445; Table S3, Sung et al. 2020. PubMed ID: 33261146). This variant is reported in 0.0054% of alleles in individuals of East Asian descent in gnomAD. Frameshift variants in ABCA4 are expected to be pathogenic. This variant is interpreted as pathogenic.

SingHealth Duke-NUS Institute of Precision Medicine
Classification: Likely pathogenic for Severe early-childhood-onset retinal dystrophy. Last evaluated: 2025-02-05. Review status: criteria provided, single submitter. Criteria: PRISM ACMG Classification Criteria. Collection method: clinical testing. Allele origin: germline. Affected: yes.
Comment: Variant is a null variant predicted to cause nonsense-mediated decay in a gene where LOF is a known cause of pathogenicity (PVS1). Homozygous allele count in gnomAD exomes and genomes are less than 0 (PM2)

Labcorp Genetics (formerly Invitae), Labcorp
Classification: Pathogenic. Last evaluated: 2025-01-06. Review status: criteria provided, single submitter. Criteria: Invitae Variant Classification Sherloc (09022015). Collection method: clinical testing. Allele origin: germline.
Comment: This sequence change creates a premature translational stop signal (p.Val521Serfs*47) in the ABCA4 gene. It is expected to result in an absent or disrupted protein product. Loss-of-function variants in ABCA4 are known to be pathogenic (PMID: 10958761, 24938718, 25312043, 26780318). This variant is not present in population databases (gnomAD no frequency). This premature translational stop signal has been observed in individual(s) with retinal disease (PMID: 26161775, 30029497). ClinVar contains an entry for this variant (Variation ID: 1073469). For these reasons, this variant has been classified as Pathogenic.

Blueprint Genetics
Classification: Pathogenic for ABCA4-related disorders. Last evaluated: 2022-03-10. Review status: criteria provided, single submitter. Criteria: ACMG Guidelines, 2015. Collection method: clinical testing. Allele origin: germline. Affected: yes. Observed: 1 variant allele.

Literature cited by the submitters: PubMed 10958761 (cited by Labcorp Genetics (formerly Invitae), Labcorp); PubMed 24938718 (cited by Labcorp Genetics (formerly Invitae), Labcorp); PubMed 25312043 (cited by Labcorp Genetics (formerly Invitae), Labcorp); PubMed 26780318 (cited by Labcorp Genetics (formerly Invitae), Labcorp); PubMed 26161775 (cited by Labcorp Genetics (formerly Invitae), Labcorp); PubMed 30029497 (cited by Labcorp Genetics (formerly Invitae), Labcorp).